The following is an entry in ClinVar:

ClinVar aggregate classification (germline): Likely pathogenic (1 of 4 stars; one submission).

Conditions:
Autosomal recessive limb-girdle muscular dystrophy type 2J (LGMDR10). Also called: Limb-girdle muscular dystrophy, type 2J; MUSCULAR DYSTROPHY, LIMB-GIRDLE, AUTOSOMAL RECESSIVE 10. Identifiers: Orphanet 140922, MedGen C1837342, MONDO:0012127, OMIM 608807.
Dilated cardiomyopathy 1G (CMD1G). Identifiers: Orphanet 154, MedGen C1858763, MONDO:0011400, OMIM 604145.

Submission:

Labcorp Genetics (formerly Invitae), Labcorp
Classification: Likely pathogenic for Dilated cardiomyopathy 1G; Autosomal recessive limb-girdle muscular dystrophy type 2J. Last evaluated: 2024-10-18. Review status: criteria provided, single submitter. Criteria: Invitae Variant Classification Sherloc (09022015). Collection method: clinical testing. Allele origin: germline.
Comment: This sequence change creates a premature translational stop signal (p.Ser14813*) in the TTN gene. While this is not anticipated to result in nonsense mediated decay, it is expected to create a truncated TTN protein. This variant is not present in population databases (gnomAD no frequency). This variant has not been reported in the literature in individuals affected with TTN-related conditions. ClinVar contains an entry for this variant (Variation ID: 2123168). This variant is located in the I band of TTN (PMID: 25589632). Truncating variants in this region have been reported in individuals affected with autosomal recessive centronuclear myopathy (PMID: 23975875, internal data). Truncating variants in this region have also been identified in individuals affected with autosomal dominant dilated cardiomyopathy and/or cardio-related conditions (PMID: 27869827, 32964742, internal data). In summary, the currently available evidence indicates that the variant is pathogenic, but additional data are needed to prove that conclusively. Therefore, this variant has been classified as Likely Pathogenic.

Literature cited by the submitters: PubMed 25589632; PubMed 23975875; PubMed 27869827; PubMed 32964742.

NM_001267550.2(TTN):c.44438C>G (p.Ser14813Ter)

Gene: TTN (titin; minus strand). Cytogenetic location: 2q31.2.
Variant type: single nucleotide variant.
Coding change: c.44438C>G on transcript NM_001267550.2 (MANE Select); coding-DNA position 44438, C replaced by G.
Protein change: p.Ser14813Ter; replaces serine 14813 with a stop codon.
Molecular consequence: nonsense.
Genome position (GRCh38, 1-based): chr2:178,625,383, G>C on the plus strand (C>G on the coding strand, the complement: TTN is on the minus strand). VCF-style: chr2-178625383-G-C. GRCh37 (hg19) VCF-style: chr2-179490110-G-C.
Other names: c.39515C>G, p.Ser13172Ter (NM_001256850.1); c.17243C>G, p.Ser5748Ter (NM_003319.4); c.36734C>G, p.Ser12245Ter (NM_133378.4); c.17618C>G, p.Ser5873Ter (NM_133432.3); c.17819C>G, p.Ser5940Ter (NM_133437.4); short protein forms S5748*, S14813*, S5873*, S12245*, S13172*, S5940*.
Identifiers: ClinVar variation 2123168 (VCV002123168.4), dbSNP rs2471199350, ClinGen allele CA349641809.